The following is an entry in ClinVar:

NM_002471.4(MYH6):c.2398C>A (p.Arg800Ser)

Gene: MYH6 (myosin heavy chain 6; minus strand). Cytogenetic location: 14q11.2.
Variant type: single nucleotide variant.
Coding change: c.2398C>A on transcript NM_002471.4 (MANE Select); coding-DNA position 2398, C replaced by A.
Protein change: p.Arg800Ser; replaces arginine 800 with serine.
Molecular consequence: missense variant.
Genome position (GRCh38, 1-based): chr14:23,396,315, G>T on the plus strand (C>A on the coding strand, the complement: MYH6 is on the minus strand). VCF-style: chr14-23396315-G-T. GRCh37 (hg19) VCF-style: chr14-23865524-G-T.
Other names: short protein forms R800S.
Identifiers: ClinVar variation 2142071 (VCV002142071.4), dbSNP rs763477425, ClinGen allele CA7115481.
Genomic context (GRCh38, chr14:23,396,315, plus strand): 5'-TGCATGCCTCCCTTTTCCTCCTGTCTCACCTGCGTTCCACTATCTTCTTGAACTCAATGC[G>T]CATGAGCTGGCCCCGGGCTTGGGCCTGCATGCGCGTGATGATGCGGCTCAGCCTCTCATC-3'
Protein context (NP_002462.2, residues 790-810): MQAQARGQLM[Arg800Ser]IEFKKIVERR

ClinVar aggregate classification (germline): Uncertain significance (1 of 4 stars; one submission).

Conditions:
Hypertrophic cardiomyopathy 14. Identifiers: MedGen C2750467, MONDO:0013197, OMIM 613251.

gnomAD v4.1: 3 of 1,614,100 alleles (0.00019%); highest among the groups gnomAD compares: South Asian, 0.0011%; no homozygotes.

Submission:

Labcorp Genetics (formerly Invitae), Labcorp
Classification: Uncertain significance for Hypertrophic cardiomyopathy 14. Last evaluated: 2022-03-11. Review status: criteria provided, single submitter. Criteria: Invitae Variant Classification Sherloc (09022015). Collection method: clinical testing. Allele origin: germline.
Comment: This sequence change replaces arginine, which is basic and polar, with serine, which is neutral and polar, at codon 800 of the MYH6 protein (p.Arg800Ser). This variant is present in population databases (rs763477425, gnomAD 0.002%). This variant has not been reported in the literature in individuals affected with MYH6-related conditions. Algorithms developed to predict the effect of missense changes on protein structure and function are either unavailable or do not agree on the potential impact of this missense change (SIFT: "Tolerated"; PolyPhen-2: "Probably Damaging"; Align-GVGD: "Class C0"). In summary, the available evidence is currently insufficient to determine the role of this variant in disease. Therefore, it has been classified as a Variant of Uncertain Significance.